The following is an entry in ClinVar:

NM_001040108.2(MLH3):c.487dup (p.Asp163fs)

Gene: MLH3 (mutL homolog 3; minus strand). Cytogenetic location: 14q24.3.
Variant type: Duplication.
Coding change: c.487dup on transcript NM_001040108.2 (MANE Select); coding-DNA position 487, one base duplicated (G; older notation c.487dupG).
Protein change: p.Asp163fs; shifts the reading frame from aspartic acid 163.
Molecular consequence: frameshift variant.
Genome position (GRCh38, 1-based): chr14:75,049,169, C duplicated on the plus strand (G on the coding strand, the reverse complement: MLH3 is on the minus strand); the first of 2 consecutive C bases (chr14:75,049,169-75,049,170); duplicating either gives the same sequence. VCF-style (leftmost placement, unchanged base first): chr14-75049168-T-TC. GRCh37 (hg19) VCF-style: chr14-75515871-T-TC.
Other names: c.487dup, p.Asp163fs (NM_014381.3); c.487dupG (NM_001040108.1); short protein forms D163fs.
Identifiers: ClinVar variation 576372 (VCV000576372.6), dbSNP rs1566609884, ClinGen allele CA891843853.

ClinVar aggregate classification (germline): Uncertain significance (1 of 4 stars; one submission).

Conditions:
Colorectal cancer, hereditary nonpolyposis, type 7. Identifiers: Orphanet 144, MedGen C1858380, MONDO:0013725, OMIM 614385.

Submission:

Labcorp Genetics (formerly Invitae), Labcorp
Classification: Uncertain significance for Colorectal cancer, hereditary nonpolyposis, type 7. Last evaluated: 2020-10-09. Review status: criteria provided, single submitter. Criteria: Invitae Variant Classification Sherloc (09022015). Collection method: clinical testing. Allele origin: germline.
Comment: In summary, the available evidence is currently insufficient to determine the role of this variant in disease. Therefore, it has been classified as a Variant of Uncertain Significance. The current clinical and genetic evidence is not sufficient to establish whether loss-of-function variants in MLH3 cause disease. This variant has not been reported in the literature in individuals with MLH3-related disease. This variant is not present in population databases (ExAC no frequency). This sequence change creates a premature translational stop signal (p.Asp163Glyfs*3) in the MLH3 gene. It is expected to result in an absent or disrupted protein product.